The following is an entry in ClinVar:

ClinVar aggregate classification (germline): Likely benign. Review status: criteria provided, multiple submitters, no conflicts (2 of 4 stars). 2 submissions from 2 submitters: Likely benign (2). Last evaluated 2025-04-08.

Conditions:
Familial adenomatous polyposis 1 (FAP1). Also called: FAMILIAL ADENOMATOUS POLYPOSIS 1, ATTENUATED; POLYPOSIS, ADENOMATOUS INTESTINAL. Identifiers: MedGen C2713442, MONDO:0021056, OMIM 175100. Disease mechanism: loss of function.

Allele frequency attached by ClinVar (database versions not stated): gnomAD exomes below 0.00001.
gnomAD v4.1: 1 of 1,565,468 alleles (0.000064%); highest among the groups gnomAD compares: Admixed American, 0.0017%; no homozygotes.

Submissions (2):

Labcorp Genetics (formerly Invitae), Labcorp
Classification: Likely benign for Familial adenomatous polyposis 1. Last evaluated: 2025-04-08. Review status: criteria provided, single submitter. Criteria: Invitae Variant Classification Sherloc (09022015). Collection method: clinical testing. Allele origin: germline.

Myriad Genetics, Inc.
Classification: Likely benign for Familial adenomatous polyposis 1. Last evaluated: 2024-02-22. Review status: criteria provided, single submitter. Criteria: Myriad Autosomal Dominant, Autosomal Recessive and X-Linked Classification Criteria (2023). Collection method: clinical testing. Allele origin: unknown.
Comment: This variant is considered likely benign. This variant is intronic and is not expected to impact mRNA splicing.

NM_000038.6(APC):c.136-8T>C

Gene: APC (APC regulator of Wnt signaling pathway; plus strand). Cytogenetic location: 5q22.2.
Variant type: single nucleotide variant.
Coding change: c.136-8T>C on transcript NM_000038.6 (MANE Select); 8 bases into the intron before coding-DNA position 136, T replaced by C.
Molecular consequence: intron variant.
Genome position (GRCh38, 1-based): chr5:112,766,318, T>C. VCF-style: chr5-112766318-T-C. GRCh37 (hg19) VCF-style: chr5-112102015-T-C.
Other names: c.-900-8T>C (NM_001407470.1, NM_001407472.1, NM_001354906.2 and 1 more transcripts); c.136-8T>C (NM_001407447.1, NM_001354895.2, NM_001407456.1 and 16 more transcripts); c.166-8T>C (NM_001407446.1, NM_001354897.2, NM_001354902.2 and 1 more transcripts); c.-42-8T>C (NM_001407453.1, NM_001354900.2, NM_001354901.2 and 1 more transcripts); c.61-8T>C (NM_001407451.1, NM_001354898.2, NM_001354904.2).
Identifiers: ClinVar variation 2961699 (VCV002961699.4), dbSNP rs2532269886, ClinGen allele CA2674864571.